The following is an entry in ClinVar:

NM_000289.6(PFKM):c.2087G>A (p.Arg696His)

Gene: PFKM (phosphofructokinase, muscle; plus strand). Cytogenetic location: 12q13.11.
Variant type: single nucleotide variant.
Coding change: c.2087G>A on transcript NM_000289.6 (MANE Select); coding-DNA position 2087, G replaced by A.
Protein change: p.Arg696His; replaces arginine 696 with histidine.
Molecular consequence: missense variant. On other transcripts: non-coding transcript variant (6).
Genome position (GRCh38, 1-based): chr12:48,145,125, G>A. VCF-style: chr12-48145125-G-A. GRCh37 (hg19) VCF-style: chr12-48538908-G-A.
Other names: c.2300G>A, p.Arg767His (NM_001166686.2, NM_001354737.1, NM_001354738.1 and 1 more transcripts); c.2087G>A, p.Arg696His (NM_001166687.2, NM_001166688.2, NM_001354742.2 and 2 more transcripts); c.2396G>A, p.Arg799His (NM_001354735.1, NM_001354736.1); c.2231G>A, p.Arg744His (NM_001354740.1); c.2111G>A, p.Arg704His (NM_001354741.2); c.2000G>A, p.Arg667His (NM_001354745.2); c.1961G>A, p.Arg654His (NM_001354746.2); c.1937G>A, p.Arg646His (NM_001354747.2, NM_001354748.2); and 1 more; short protein forms R696H, R767H, R667H, R654H, R744H, R799H, R665H, R704H.
Identifiers: ClinVar variation 255756 (VCV000255756.67), dbSNP rs41291971, ClinGen allele CA6537526.

ClinVar aggregate classification (germline): Benign/Likely benign. Review status: criteria provided, multiple submitters, no conflicts (2 of 4 stars). 12 submissions from 12 submitters: Benign (4); Likely benign (6). 2 of the submissions do not count toward it. Last evaluated 2026-09-01.

Conditions:
Glycogen storage disease, type VII (GSD7). Also called: PFKM DEFICIENCY; TARUI DISEASE; GSD VII; MUSCLE PHOSPHOFRUCTOKINASE DEFICIENCY. Identifiers: Orphanet 371, MedGen C0017926, MONDO:0009295, OMIM 232800.

Allele frequency attached by ClinVar (database versions not stated): 1000 Genomes Project 0.00379; 1000 Genomes Project 30x 0.00390; TOPMed 0.00965; ExAC 0.00969; gnomAD exomes 0.00969 and 0.01464; gnomAD 0.01058 and 0.01088; ESP Exome Variant Server 0.01215.
gnomAD v4.1: 22,772 of 1,613,446 alleles (1.4%); highest among the groups gnomAD compares: Non-Finnish European, 1.7%; 185 homozygotes.

Submissions (12):

CeGaT Center for Human Genetics Tuebingen
Classification: Benign. Last evaluated: 2026-09-01. Review status: criteria provided, single submitter. Criteria: CeGaT Center For Human Genetics Tuebingen Variant Classification Criteria Version 2. Collection method: clinical testing. Allele origin: germline. Affected: yes. Observed: 54 variant alleles.
Comment: PFKM: PP2, BS1, BS2

Labcorp Genetics (formerly Invitae), Labcorp
Classification: Benign for Glycogen storage disease, type VII. Last evaluated: 2026-02-02. Review status: criteria provided, single submitter. Criteria: Invitae Variant Classification Sherloc (09022015). Collection method: clinical testing. Allele origin: germline.

ARUP Laboratories, Molecular Genetics and Genomics, ARUP Laboratories
Classification: Benign for Glycogen storage disease, type VII. Last evaluated: 2025-07-11. Review status: criteria provided, single submitter. Criteria: ARUP Molecular Germline Variant Investigation Process 2024. Collection method: clinical testing. Allele origin: germline.

Women's Health and Genetics/Laboratory Corporation of America, LabCorp
Classification: Likely benign. Last evaluated: 2022-02-18. Review status: criteria provided, single submitter. Criteria: LabCorp Variant Classification Summary - May 2015. Collection method: clinical testing. Allele origin: germline.

Genome-Nilou Lab
Classification: Likely benign for Glycogen storage disease, type VII. Last evaluated: 2021-05-18. Review status: criteria provided, single submitter. Criteria: ACMG Guidelines, 2015. Collection method: clinical testing. Allele origin: germline. Affected: no.

GeneDx
Classification: Benign. Last evaluated: 2021-03-24. Review status: criteria provided, single submitter. Criteria: GeneDx Variant Classification Process June 2021. Collection method: clinical testing. Allele origin: germline. Affected: yes.
Comment: This variant is associated with the following publications: (PMID: 22133655, 7825568, 22995991, 20981092)

Eurofins Ntd Llc (ga)
Classification: Likely benign. Last evaluated: 2018-01-03. Review status: criteria provided, single submitter. Criteria: EGL Classification Definitions 2015. Collection method: clinical testing. Allele origin: germline. Observed: 1 variant allele, 1 heterozygote.

Illumina Laboratory Services, Illumina
Classification: Likely benign for Glycogen storage disease, type VII. Last evaluated: 2017-04-27. Review status: criteria provided, single submitter. Criteria: ICSL Variant Classification Criteria 13 December 2019. Collection method: clinical testing. Allele origin: germline.
Comment: This variant was observed as part of a predisposition screen in an ostensibly healthy population. A literature search was performed for the gene, cDNA change, and amino acid change (where applicable). No publications were found based on this search. Allele frequency data from public databases allowed determination this variant is unlikely to cause disease. Therefore, this variant is classified as likely benign.

Breakthrough Genomics
Classification: Likely benign. Review status: criteria provided, single submitter. Criteria: ACMG Guidelines, 2015. Collection method: not provided. Allele origin: germline. Inheritance: Autosomal recessive inheritance. Affected: yes.

PreventionGenetics, part of Exact Sciences
Classification: Likely benign. Review status: criteria provided, single submitter. Criteria: ACMG Guidelines, 2015. Collection method: clinical testing. Allele origin: germline.

Mayo Clinic Laboratories, Mayo Clinic
Classification: Likely benign. Last evaluated: 2018-01-09. Review status: no assertion criteria provided. Collection method: clinical testing. Allele origin: unknown. Not counted in ClinVar's aggregate classification.

Counsyl
Classification: Likely benign for Glycogen storage disease, type VII. Last evaluated: 2017-03-06. Review status: no assertion criteria provided. Collection method: clinical testing. Allele origin: unknown. Not counted in ClinVar's aggregate classification.

Literature cited by the submitters: PubMed 7825568 (cited by Counsyl).